The following is an entry in ClinVar:

ClinVar aggregate classification (germline): Likely benign. Review status: criteria provided, multiple submitters, no conflicts (2 of 4 stars). 3 submissions from 3 submitters: Likely benign (2). 1 of the submissions does not count toward it. Last evaluated 2026-08-01.

Conditions:
BBS5-related disorder. Also called: BBS5-related condition.
Bardet-Biedl syndrome (BBS). Identifiers: Orphanet 110, MedGen C0752166, MONDO:0015229.

Allele frequency attached by ClinVar (database versions not stated): gnomAD exomes below 0.00001; TOPMed below 0.00001; ExAC 0.00001; gnomAD 0.00001.
gnomAD v4.1: 2 of 1,613,702 alleles (0.00012%); highest among the groups gnomAD compares: Admixed American, 0.0033%; no homozygotes.

Submissions (3):

CeGaT Center for Human Genetics Tuebingen
Classification: Likely benign. Last evaluated: 2026-08-01. Review status: criteria provided, single submitter. Criteria: CeGaT Center For Human Genetics Tuebingen Variant Classification Criteria Version 2. Collection method: clinical testing. Allele origin: germline. Affected: yes. Observed: 1 variant allele.
Comment: BBS5: BP4, BP7

Labcorp Genetics (formerly Invitae), Labcorp
Classification: Likely benign for Bardet-Biedl syndrome. Last evaluated: 2022-07-19. Review status: criteria provided, single submitter. Criteria: Invitae Variant Classification Sherloc (09022015). Collection method: clinical testing. Allele origin: germline.

PreventionGenetics, part of Exact Sciences
Classification: Likely benign for BBS5-related condition. Last evaluated: 2021-03-22. Review status: no assertion criteria provided. Collection method: clinical testing. Allele origin: germline. Not counted in ClinVar's aggregate classification.
Comment: This variant is classified as likely benign based on ACMG/AMP sequence variant interpretation guidelines (Richards et al. 2015 PMID: 25741868, with internal and published modifications).

NM_152384.3(BBS5):c.276T>C (p.Thr92=)

Gene: BBS5 (Bardet-Biedl syndrome 5; plus strand). Cytogenetic location: 2q31.1.
Variant type: single nucleotide variant.
Coding change: c.276T>C on transcript NM_152384.3 (MANE Select); coding-DNA position 276, T replaced by C.
Protein change: p.Thr92=; no amino-acid change (threonine 92 retained).
Molecular consequence: synonymous variant.
Genome position (GRCh38, 1-based): chr2:169,488,004, T>C. VCF-style: chr2-169488004-T-C. GRCh37 (hg19) VCF-style: chr2-170344514-T-C.
Other names: c.276T>C (NM_152384.2).
Identifiers: ClinVar variation 1114569 (VCV001114569.12), dbSNP rs775970045, ClinGen allele CA1956178.